The following is an entry in ClinVar:

NM_001942.4(DSG1):c.295A>T (p.Ile99Phe)

Gene: DSG1 (desmoglein 1; plus strand). Cytogenetic location: 18q12.1.
Variant type: single nucleotide variant.
Coding change: c.295A>T on transcript NM_001942.4 (MANE Select); coding-DNA position 295, A replaced by T.
Protein change: p.Ile99Phe; replaces isoleucine 99 with phenylalanine.
Molecular consequence: missense variant.
Genome position (GRCh38, 1-based): chr18:31,328,267, A>T. VCF-style: chr18-31328267-A-T. GRCh37 (hg19) VCF-style: chr18-28908230-A-T.
Other names: short protein forms I99F.
Identifiers: ClinVar variation 2706943 (VCV002706943.3), dbSNP rs1364683780, ClinGen allele CA402128178.
Genomic context (GRCh38, chr18:31,328,267, plus strand): 5'-GCAAACCAGCAAGTTACATACCGCATCTCTGGAGTAGGAATTGATCAGCCACCATATGGG[A>T]TCTTTGTCATTAATCAGAAAACTGGTGAAATTAATATAACATCCATAGTTGATCGAGAGG-3'
Protein context (NP_001933.2, residues 89-109): GVGIDQPPYG[Ile99Phe]FVINQKTGEI

ClinVar aggregate classification (germline): Uncertain significance (1 of 4 stars; one submission).

Allele frequency attached by ClinVar (database versions not stated): gnomAD exomes below 0.00001.
gnomAD v4.1: 1 of 1,613,596 alleles (0.000062%); highest among the groups gnomAD compares: East Asian, 0.0022%; no homozygotes.

Submission:

Labcorp Genetics (formerly Invitae), Labcorp
Classification: Uncertain significance. Last evaluated: 2023-07-19. Review status: criteria provided, single submitter. Criteria: Invitae Variant Classification Sherloc (09022015). Collection method: clinical testing. Allele origin: germline.
Comment: In summary, the available evidence is currently insufficient to determine the role of this variant in disease. Therefore, it has been classified as a Variant of Uncertain Significance. Advanced modeling of protein sequence and biophysical properties (such as structural, functional, and spatial information, amino acid conservation, physicochemical variation, residue mobility, and thermodynamic stability) performed at Invitae indicates that this missense variant is not expected to disrupt DSG1 protein function. This variant has not been reported in the literature in individuals affected with DSG1-related conditions. This variant is present in population databases (no rsID available, gnomAD 0.006%). This sequence change replaces isoleucine, which is neutral and non-polar, with phenylalanine, which is neutral and non-polar, at codon 99 of the DSG1 protein (p.Ile99Phe).